The following is an entry in ClinVar:

ClinVar aggregate classification (germline): Uncertain significance (1 of 4 stars; one submission).

Submission:

GeneDx
Classification: Uncertain significance. Last evaluated: 2024-09-10. Review status: criteria provided, single submitter. Criteria: GeneDx Variant Classification Process June 2021. Collection method: clinical testing. Allele origin: germline. Affected: yes.
Comment: Not observed at significant frequency in large population cohorts (gnomAD); In silico analysis supports that this missense variant has a deleterious effect on protein structure/function; Has not been previously published as pathogenic or benign to our knowledge

NM_006133.3(DAGLA):c.1193G>A (p.Arg398Gln)

Gene: DAGLA (diacylglycerol lipase alpha; plus strand). Cytogenetic location: 11q12.2.
Variant type: single nucleotide variant.
Coding change: c.1193G>A on transcript NM_006133.3 (MANE Select); coding-DNA position 1193, G replaced by A.
Protein change: p.Arg398Gln; replaces arginine 398 with glutamine.
Molecular consequence: missense variant.
Genome position (GRCh38, 1-based): chr11:61,735,625, G>A. VCF-style: chr11-61735625-G-A. GRCh37 (hg19) VCF-style: chr11-61503097-G-A.
Other names: short protein forms R398Q.
Identifiers: ClinVar variation 3767520 (VCV003767520.1).